The following is an entry in ClinVar:

ClinVar aggregate classification (germline): Uncertain significance. Review status: criteria provided, multiple submitters, no conflicts (2 of 4 stars). 2 submissions from 2 submitters: Uncertain significance (2). Last evaluated 2024-12-07.

Conditions:
Primary ciliary dyskinesia. Also called: Ciliary dyskinesia. Identifiers: Orphanet 244, MedGen C0008780, MONDO:0016575, HP:0012265.

Allele frequency attached by ClinVar (database versions not stated): gnomAD 0.00003; TOPMed 0.00003.
gnomAD v4.1: 169 of 1,606,992 alleles (0.011%); highest among the groups gnomAD compares: East Asian, 0.31%; 2 homozygotes.

Submissions (2):

Ambry Genetics
Classification: Uncertain significance for Primary ciliary dyskinesia. Last evaluated: 2024-12-07. Review status: criteria provided, single submitter. Criteria: Ambry Variant Classification Scheme 2023. Collection method: clinical testing. Allele origin: germline.

Labcorp Genetics (formerly Invitae), Labcorp
Classification: Uncertain significance for Primary ciliary dyskinesia. Last evaluated: 2021-09-01. Review status: criteria provided, single submitter. Criteria: Invitae Variant Classification Sherloc (09022015). Collection method: clinical testing. Allele origin: germline.
Comment: This sequence change replaces alanine with valine at codon 692 of the DNAAF5 protein (p.Ala692Val). The alanine residue is weakly conserved and there is a small physicochemical difference between alanine and valine. This variant is not present in population databases (ExAC no frequency). This variant has not been reported in the literature in individuals affected with DNAAF5-related conditions. Algorithms developed to predict the effect of missense changes on protein structure and function (SIFT, PolyPhen-2, Align-GVGD) all suggest that this variant is likely to be tolerated. Algorithms developed to predict the effect of sequence changes on RNA splicing suggest that this variant may create or strengthen a splice site. In summary, the available evidence is currently insufficient to determine the role of this variant in disease. Therefore, it has been classified as a Variant of Uncertain Significance.

NM_017802.4(DNAAF5):c.2075C>T (p.Ala692Val)

Gene: DNAAF5 (dynein axonemal assembly factor 5; plus strand). Cytogenetic location: 7p22.3.
Variant type: single nucleotide variant.
Coding change: c.2075C>T on transcript NM_017802.4 (MANE Select); coding-DNA position 2075, C replaced by T.
Protein change: p.Ala692Val; replaces alanine 692 with valine.
Molecular consequence: missense variant. On other transcripts: non-coding transcript variant (1).
Genome position (GRCh38, 1-based): chr7:774,191, C>T. VCF-style: chr7-774191-C-T. GRCh37 (hg19) VCF-style: chr7-813828-C-T.
Other names: short protein forms A692V.
Identifiers: ClinVar variation 577248 (VCV000577248.7), dbSNP rs759671132, ClinGen allele CA152353289.